The following is an entry in ClinVar:

NM_021120.4(DLG3):c.1291C>T (p.Arg431Trp)

Genes: DLG3 (discs large MAGUK scaffold protein 3; plus strand), DLG3-AS1 (DLG3 antisense RNA 1; minus strand). Cytogenetic location: Xq13.1.
Variant type: single nucleotide variant.
Coding change: c.1291C>T on transcript NM_021120.4 (MANE Select); coding-DNA position 1291, C replaced by T.
Protein change: p.Arg431Trp; replaces arginine 431 with tryptophan.
Molecular consequence: missense variant.
Genome position (GRCh38, 1-based): chrX:70,453,782, C>T. VCF-style: chrX-70453782-C-T. GRCh37 (hg19) VCF-style: chrX-69673632-C-T.
Other names: c.280C>T, p.Arg94Trp (NM_020730.3); short protein forms R431W, R94W.
Identifiers: ClinVar variation 2571773 (VCV002571773.2), dbSNP rs2519741803, ClinGen allele CA413456578.

ClinVar aggregate classification (germline): Uncertain significance (1 of 4 stars; one submission).

gnomAD v4.1: 2 of 1,191,339 alleles (0.00017%); highest among the groups gnomAD compares: Non-Finnish European, 0.00023%; no homozygotes.

Submission:

GeneDx
Classification: Uncertain significance. Last evaluated: 2026-09-18. Review status: criteria provided, single submitter. Criteria: GeneDx Variant Classification Process June 2021. Collection method: clinical testing. Allele origin: germline.
Comment: Not observed at significant frequency in large population cohorts (gnomAD); In silico analysis supports that this missense variant has a deleterious effect on protein structure/function; Has not been previously published as pathogenic or benign to our knowledge